The following is an entry in ClinVar:

ClinVar aggregate classification (germline): Uncertain significance (1 of 4 stars; one submission).

Conditions:
Inborn genetic diseases. Identifiers: MedGen C0950123, MeSH D030342.

Submission:

Ambry Genetics
Classification: Uncertain significance for Inborn genetic diseases. Last evaluated: 2025-02-14. Review status: criteria provided, single submitter. Criteria: Ambry Variant Classification Scheme 2023. Collection method: clinical testing. Allele origin: germline.
Comment: The p.K316E variant (also known as c.946A>G), located in coding exon 6 of the G6PC3 gene, results from an A to G substitution at nucleotide position 946. The lysine at codon 316 is replaced by glutamic acid, an amino acid with similar properties. This amino acid position is conserved. In addition, this alteration is predicted to be deleterious by in silico analysis. Based on the available evidence, the clinical significance of this variant remains unclear.

NM_138387.4(G6PC3):c.946A>G (p.Lys316Glu)

Gene: G6PC3 (glucose-6-phosphatase catalytic subunit 3; plus strand). Cytogenetic location: 17q21.31.
Variant type: single nucleotide variant.
Coding change: c.946A>G on transcript NM_138387.4 (MANE Select); coding-DNA position 946, A replaced by G.
Protein change: p.Lys316Glu; replaces lysine 316 with glutamic acid.
Molecular consequence: missense variant. On other transcripts: 3 prime UTR variant (1).
Genome position (GRCh38, 1-based): chr17:44,075,948, A>G. VCF-style: chr17-44075948-A-G. GRCh37 (hg19) VCF-style: chr17-42153316-A-G.
Other names: c.*239A>G (NM_001319945.2); c.601A>G, p.Lys201Glu (NM_001384165.1, NM_001384166.1, NM_001384167.1 and 1 more transcripts); short protein forms K201E, K316E.
Identifiers: ClinVar variation 3852370 (VCV003852370.1).
Genomic context (GRCh38, chr17:44,075,948, plus strand): 5'-CCCCTGGACTGGCTGGGCCACCCCCCTCAGATCAGCCTCTTCTACATTTTCAATTTCCTC[A>G]AGTACACCCTCTGGCCATGCCTAGTCCTGGCCCTCGTGCCCTGGGCAGTGCACATGTTCA-3'
Protein context (NP_612396.1, residues 306-326): ISLFYIFNFL[Lys316Glu]YTLWPCLVLA